The following is an entry in ClinVar:

NM_006070.6(TFG):c.701C>T (p.Thr234Ile)

Gene: TFG (trafficking from ER to golgi regulator; plus strand). Cytogenetic location: 3q12.2.
Variant type: single nucleotide variant.
Coding change: c.701C>T on transcript NM_006070.6 (MANE Select); coding-DNA position 701, C replaced by T.
Protein change: p.Thr234Ile; replaces threonine 234 with isoleucine.
Molecular consequence: missense variant.
Genome position (GRCh38, 1-based): chr3:100,736,696, C>T. VCF-style: chr3-100736696-C-T. GRCh37 (hg19) VCF-style: chr3-100455540-C-T.
Other names: c.701C>T, p.Thr234Ile (NM_001007565.2, NM_001195478.2, NM_001195479.2); short protein forms T234I.
Identifiers: ClinVar variation 1716154 (VCV001716154.5), dbSNP rs770439532, ClinGen allele CA353847549.
Genomic context (GRCh38, chr3:100,736,696, plus strand): 5'-CCTCAGCAGCTCACCCACCAGGCGTTCAGCCACAGCAGCCACCATATACAGGAGCTCAGA[C>T]TCAAGCAGGTCAGATTGAAGGTAAAATAGAGTTTAGAACACATGTTTGGGAAAGTACATG-3'
Protein context (NP_006061.2, residues 224-244): PQQPPYTGAQ[Thr234Ile]QAGQIEGQMY

ClinVar aggregate classification (germline): Uncertain significance (1 of 4 stars; one submission).

Conditions:
Hereditary motor and sensory neuropathy, Okinawa type (HMSNO). Also called: HEREDITARY MOTOR AND SENSORY NEUROPATHY, PROXIMAL TYPE. Identifiers: Orphanet 90117, MedGen C1858338, MONDO:0011468, OMIM 604484.
Hereditary spastic paraplegia 57. Also called: Spastic paraplegia 57, autosomal recessive. Identifiers: Orphanet 431329, MedGen C3714897, MONDO:0014295, OMIM 615658.

Submission:

Labcorp Genetics (formerly Invitae), Labcorp
Classification: Uncertain significance for Hereditary motor and sensory neuropathy, Okinawa type; Hereditary spastic paraplegia 57. Last evaluated: 2022-11-16. Review status: criteria provided, single submitter. Criteria: Invitae Variant Classification Sherloc (09022015). Collection method: clinical testing. Allele origin: germline.
Comment: In summary, the available evidence is currently insufficient to determine the role of this variant in disease. Therefore, it has been classified as a Variant of Uncertain Significance. Advanced modeling of protein sequence and biophysical properties (such as structural, functional, and spatial information, amino acid conservation, physicochemical variation, residue mobility, and thermodynamic stability) performed at Invitae indicates that this missense variant is not expected to disrupt TFG protein function. This variant has not been reported in the literature in individuals affected with TFG-related conditions. This variant is not present in population databases (gnomAD no frequency). This sequence change replaces threonine, which is neutral and polar, with isoleucine, which is neutral and non-polar, at codon 234 of the TFG protein (p.Thr234Ile).